The following is an entry in ClinVar:

NM_015330.6(SPECC1L):c.1195C>T (p.Arg399Trp)

Genes: SPECC1L (sperm antigen with calponin homology and coiled-coil domains 1 like; plus strand), SPECC1L-ADORA2A (SPECC1L-ADORA2A readthrough (NMD candidate); plus strand). Cytogenetic location: 22q11.23.
Variant type: single nucleotide variant.
Coding change: c.1195C>T on transcript NM_015330.6 (MANE Select); coding-DNA position 1195, C replaced by T.
Protein change: p.Arg399Trp; replaces arginine 399 with tryptophan.
Molecular consequence: missense variant. On other transcripts: non-coding transcript variant (1).
Genome position (GRCh38, 1-based): chr22:24,322,175, C>T. VCF-style: chr22-24322175-C-T. GRCh37 (hg19) VCF-style: chr22-24718143-C-T.
Other names: c.1195C>T, p.Arg399Trp (NM_001145468.4, NM_001254732.3); short protein forms R399W.
Identifiers: ClinVar variation 1299382 (VCV001299382.1), dbSNP rs2040735453, ClinGen allele CA410967893.

ClinVar aggregate classification (germline): Uncertain significance (1 of 4 stars; one submission).

Conditions:
Teebi hypertelorism syndrome. Identifiers: Orphanet 1519, MedGen C0796179, MONDO:0030639.

Allele frequency attached by ClinVar (database versions not stated): TOPMed below 0.00001; gnomAD 0.00001.

Submission:

Breda Genetics srl
Classification: Uncertain significance for Teebi hypertelorism syndrome 1. Last evaluated: 2021-01-22. Review status: criteria provided, single submitter. Criteria: ACMG Guidelines, 2015. Collection method: clinical testing. Allele origin: inherited. Inheritance: Autosomal dominant inheritance. Affected: yes. Observed: 1 variant allele, 1 heterozygote.
Comment: The variant c.1195C>T (p.Arg399Trp) in the SPECC1L gene has not been reported in dbSNP, gnomAD, 1000 Genomes Project or ClinVar. The nucleotide position is conserved across 35 mammalian species (GERP RS: 4.36). In silico analysis indicates that the variant might be damaging. A pathogenic missense variant c.1189A>C (p.Thr397Pro), falling two amino acids before the p.Arg399Trp is reported in ClinVar (Variation ID: 183671). According to COILS prediction software with window lengths of 14, 21 and 28, the variant c.1195C>T (p.Arg399Trp) causes a 97-99% reduction in the probability that the domain assumes the correct conformation, thus showing a value comparable to that of the mutations described by Zhang et al. (2020, PMID: 31953237).